The following is an entry in ClinVar:

ClinVar aggregate classification (germline): Uncertain significance (1 of 4 stars; one submission).

Conditions:
Hypertrophic cardiomyopathy 1 (CMH1). Also called: Familial hypertrophic cardiomyopathy 1; MYH7-Related Familial Hypertrophic Cardiomyopathy. Identifiers: MedGen C3495498, MONDO:0008647, OMIM 192600.

Allele frequency attached by ClinVar (database versions not stated): gnomAD exomes 0.00001.
gnomAD v4.1: 5 of 1,612,904 alleles (0.00031%); highest among the groups gnomAD compares: Non-Finnish European, 0.00042%; no homozygotes.

Submission:

Labcorp Genetics (formerly Invitae), Labcorp
Classification: Uncertain significance for Hypertrophic cardiomyopathy 1. Last evaluated: 2023-02-25. Review status: criteria provided, single submitter. Criteria: Invitae Variant Classification Sherloc (09022015). Collection method: clinical testing. Allele origin: germline.
Comment: This sequence change replaces lysine, which is basic and polar, with arginine, which is basic and polar, at codon 112 of the MYLK2 protein (p.Lys112Arg). This variant is not present in population databases (gnomAD no frequency). This variant has not been reported in the literature in individuals affected with MYLK2-related conditions. ClinVar contains an entry for this variant (Variation ID: 1421266). Advanced modeling of protein sequence and biophysical properties (such as structural, functional, and spatial information, amino acid conservation, physicochemical variation, residue mobility, and thermodynamic stability) performed at Invitae indicates that this missense variant is not expected to disrupt MYLK2 protein function. In summary, the available evidence is currently insufficient to determine the role of this variant in disease. Therefore, it has been classified as a Variant of Uncertain Significance.

NM_033118.4(MYLK2):c.335A>G (p.Lys112Arg)

Gene: MYLK2 (myosin light chain kinase 2; plus strand). Cytogenetic location: 20q11.21.
Variant type: single nucleotide variant.
Coding change: c.335A>G on transcript NM_033118.4 (MANE Select); coding-DNA position 335, A replaced by G.
Protein change: p.Lys112Arg; replaces lysine 112 with arginine.
Molecular consequence: missense variant.
Genome position (GRCh38, 1-based): chr20:31,820,408, A>G. VCF-style: chr20-31820408-A-G. GRCh37 (hg19) VCF-style: chr20-30408211-A-G.
Other names: short protein forms K112R.
Identifiers: ClinVar variation 1421266 (VCV001421266.6), dbSNP rs2123126349, ClinGen allele CA408525390.
Genomic context (GRCh38, chr20:31,820,408, plus strand): 5'-GGCCCCCGGCAGCCCTGCCCCAGCAGACTGCGACACCTGAGACCAGCGTCAAGAAGCCCA[A>G]GGCTGAGCAGGGAGCCTCAGGCAGCCAGGATCCTGGAAAGCCCAGGGTGGGCAAGAAGGC-3'
Protein context (NP_149109.1, residues 102-122): ATPETSVKKP[Lys112Arg]AEQGASGSQD